The following is an entry in ClinVar:

NM_004612.4(TGFBR1):c.959T>A (p.Ile320Asn)

Gene: TGFBR1 (transforming growth factor beta receptor 1; plus strand). Cytogenetic location: 9q22.33.
Variant type: single nucleotide variant.
Coding change: c.959T>A on transcript NM_004612.4 (MANE Select); coding-DNA position 959, T replaced by A.
Protein change: p.Ile320Asn; replaces isoleucine 320 with asparagine.
Molecular consequence: missense variant.
Genome position (GRCh38, 1-based): chr9:99,142,689, T>A. VCF-style: chr9-99142689-T-A. GRCh37 (hg19) VCF-style: chr9-101904971-T-A.
Other names: c.728T>A, p.Ile243Asn (NM_001130916.3); c.971T>A, p.Ile324Asn (NM_001306210.2); short protein forms I320N, I243N, I324N.
Identifiers: ClinVar variation 862177 (VCV000862177.12), dbSNP rs1554701491, ClinGen allele CA374230816.

ClinVar aggregate classification (germline): Uncertain significance (1 of 4 stars; one submission).

Conditions:
Familial thoracic aortic aneurysm and aortic dissection (TAAD). Also called: Thoracic aortic aneurysms and dissections. Identifiers: Orphanet 91387, MedGen C4707243, MONDO:0019625.

Submission:

Labcorp Genetics (formerly Invitae), Labcorp
Classification: Uncertain significance for Familial thoracic aortic aneurysm and aortic dissection. Last evaluated: 2022-11-01. Review status: criteria provided, single submitter. Criteria: Invitae Variant Classification Sherloc (09022015). Collection method: clinical testing. Allele origin: germline.
Comment: In summary, the available evidence is currently insufficient to determine the role of this variant in disease. Therefore, it has been classified as a Variant of Uncertain Significance. Advanced modeling of protein sequence and biophysical properties (such as structural, functional, and spatial information, amino acid conservation, physicochemical variation, residue mobility, and thermodynamic stability) performed at Invitae indicates that this missense variant is expected to disrupt TGFBR1 protein function. ClinVar contains an entry for this variant (Variation ID: 862177). This variant has not been reported in the literature in individuals affected with TGFBR1-related conditions. This variant is not present in population databases (gnomAD no frequency). This sequence change replaces isoleucine, which is neutral and non-polar, with asparagine, which is neutral and polar, at codon 320 of the TGFBR1 protein (p.Ile320Asn).